The following is an entry in ClinVar:

ClinVar aggregate classification (germline): Uncertain significance (1 of 4 stars; one submission).

Submission:

Labcorp Genetics (formerly Invitae), Labcorp
Classification: Uncertain significance. Last evaluated: 2022-10-20. Review status: criteria provided, single submitter. Criteria: Invitae Variant Classification Sherloc (09022015). Collection method: clinical testing. Allele origin: germline.
Comment: This variant has not been reported in the literature in individuals affected with APOL1-related conditions. In summary, the available evidence is currently insufficient to determine the role of this variant in disease. Therefore, it has been classified as a Variant of Uncertain Significance. Algorithms developed to predict the effect of missense changes on protein structure and function are either unavailable or do not agree on the potential impact of this missense change (SIFT: "Deleterious"; PolyPhen-2: "Probably Damaging"; Align-GVGD: "Class C0"). ClinVar contains an entry for this variant (Variation ID: 1055865). This variant is not present in population databases (gnomAD no frequency). This sequence change replaces tryptophan, which is neutral and slightly polar, with cysteine, which is neutral and slightly polar, at codon 139 of the APOL1 protein (p.Trp139Cys).

NM_003661.4(APOL1):c.417G>C (p.Trp139Cys)

Gene: APOL1 (apolipoprotein L1; plus strand). Cytogenetic location: 22q12.3.
Variant type: single nucleotide variant.
Coding change: c.417G>C on transcript NM_003661.4 (MANE Select); coding-DNA position 417, G replaced by C.
Protein change: p.Trp139Cys; replaces tryptophan 139 with cysteine.
Molecular consequence: missense variant.
Genome position (GRCh38, 1-based): chr22:36,265,253, G>C. VCF-style: chr22-36265253-G-C. GRCh37 (hg19) VCF-style: chr22-36661299-G-C.
Other names: c.417G>C, p.Trp139Cys (NM_001136540.2); c.363G>C, p.Trp121Cys (NM_001136541.2, NM_001362927.2); c.465G>C, p.Trp155Cys (NM_145343.3); short protein forms W121C, W139C, W155C.
Identifiers: ClinVar variation 1055865 (VCV001055865.9), dbSNP rs2146311415, ClinGen allele CA411366435.